The following is an entry in ClinVar:

NM_000180.4(GUCY2D):c.1410C>A (p.Phe470Leu)

Gene: GUCY2D (guanylate cyclase 2D, retinal; plus strand). Cytogenetic location: 17p13.1.
Variant type: single nucleotide variant.
Coding change: c.1410C>A on transcript NM_000180.4 (MANE Select); coding-DNA position 1410, C replaced by A.
Protein change: p.Phe470Leu; replaces phenylalanine 470 with leucine.
Molecular consequence: missense variant.
Genome position (GRCh38, 1-based): chr17:8,007,091, C>A. VCF-style: chr17-8007091-C-A. GRCh37 (hg19) VCF-style: chr17-7910409-C-A.
Other names: short protein forms F470L.
Identifiers: ClinVar variation 1302215 (VCV001302215.2), dbSNP rs2151800760, ClinGen allele CA397948769.
Genomic context (GRCh38, chr17:8,007,091, plus strand): 5'-CAGTATACCTCCTGTCACTGTCCCTTCAGGACTGGAGCCGGGCCTCGTCTTTCTTGGCTT[C>A]CTCCTGGTGGTTGGGATGGGGCTGGCTGGGGCCTTCCTGGCCCATTATGTGAGGTGAGTA-3'
Protein context (NP_000171.1, residues 460-480): GLEPGLVFLG[Phe470Leu]LLVVGMGLAG

ClinVar aggregate classification (germline): Uncertain significance (1 of 4 stars; one submission).

Submission:

GeneDx
Classification: Uncertain significance. Last evaluated: 2019-07-18. Review status: criteria provided, single submitter. Criteria: GeneDx Variant Classification Process June 2021. Collection method: clinical testing. Allele origin: germline. Affected: yes.
Comment: Not observed in large population cohorts (Lek et al., 2016); In silico analysis, which includes protein predictors and evolutionary conservation, supports that this variant does not alter protein structure/function; Has not been previously published as pathogenic or benign to our knowledge